The following is an entry in ClinVar:

NM_002691.4(POLD1):c.2028G>T (p.Lys676Asn)

Gene: POLD1 (DNA polymerase delta 1, catalytic subunit; plus strand). Cytogenetic location: 19q13.33.
Variant type: single nucleotide variant.
Coding change: c.2028G>T on transcript NM_002691.4 (MANE Select); coding-DNA position 2028, G replaced by T.
Protein change: p.Lys676Asn; replaces lysine 676 with asparagine.
Molecular consequence: missense variant. On other transcripts: non-coding transcript variant (1).
Genome position (GRCh38, 1-based): chr19:50,409,540, G>T. VCF-style: chr19-50409540-G-T. GRCh37 (hg19) VCF-style: chr19-50912797-G-T.
Other names: c.2028G>T, p.Lys676Asn (NM_001256849.1); c.2106G>T, p.Lys702Asn (NM_001308632.1); short protein forms K676N, K702N.
Identifiers: ClinVar variation 2812298 (VCV002812298.3), dbSNP rs761942353, ClinGen allele CA9596372.
Genomic context (GRCh38, chr19:50,409,540, plus strand): 5'-GGTGCCGCCTGAGTGTGCTTTCCCCGTGTTCCCTCGCAGGGCCAAGGCCGAGCTGGCCAA[G>T]GAGACAGACCCCCTCCGGCGCCAGGTCCTGGATGGACGGCAGCTGGCGCTGAAGGTGAGC-3'
Protein context (NP_002682.2, residues 666-686): ARKRAKAELA[Lys676Asn]ETDPLRRQVL

ClinVar aggregate classification (germline): Uncertain significance (1 of 4 stars; one submission).

Conditions:
POLD1-related polyposis and colorectal cancer syndrome (CRCS10). Also called: Colorectal cancer 10; Colorectal cancer, susceptibility to, 10; COLORECTAL CANCER, SUSCEPTIBILITY TO, ON CHROMOSOME 19q. Identifiers: Orphanet 220460, MedGen C2675481, MONDO:0012953, OMIM 612591.

Allele frequency attached by ClinVar (database versions not stated): gnomAD exomes below 0.00001; ExAC 0.00001.
gnomAD v4.1: 2 of 1,613,568 alleles (0.00012%); highest among the groups gnomAD compares: South Asian, 0.0022%; no homozygotes.

Submission:

Labcorp Genetics (formerly Invitae), Labcorp
Classification: Uncertain significance for POLD1-related polyposis and colorectal cancer syndrome. Last evaluated: 2024-12-02. Review status: criteria provided, single submitter. Criteria: Invitae Variant Classification Sherloc (09022015). Collection method: clinical testing. Allele origin: germline.
Comment: This sequence change replaces lysine, which is basic and polar, with asparagine, which is neutral and polar, at codon 676 of the POLD1 protein (p.Lys676Asn). This variant is present in population databases (rs761942353, gnomAD 0.003%). This variant has not been reported in the literature in individuals affected with POLD1-related conditions. ClinVar contains an entry for this variant (Variation ID: 2812298). Invitae Evidence Modeling of protein sequence and biophysical properties (such as structural, functional, and spatial information, amino acid conservation, physicochemical variation, residue mobility, and thermodynamic stability) indicates that this missense variant is not expected to disrupt POLD1 protein function with a negative predictive value of 80%. In summary, the available evidence is currently insufficient to determine the role of this variant in disease. Therefore, it has been classified as a Variant of Uncertain Significance.